The following is an entry in ClinVar:

NM_032317.3(DNAJC30):c.24G>A (p.Trp8Ter)

Gene: DNAJC30 (DnaJ heat shock protein family (Hsp40) member C30; minus strand). Cytogenetic location: 7q11.23.
Variant type: single nucleotide variant.
Coding change: c.24G>A on transcript NM_032317.3 (MANE Select); coding-DNA position 24, G replaced by A.
Protein change: p.Trp8Ter; replaces tryptophan 8 with a stop codon.
Molecular consequence: nonsense.
Genome position (GRCh38, 1-based): chr7:73,683,400, C>T on the plus strand (G>A on the coding strand, the complement: DNAJC30 is on the minus strand). VCF-style: chr7-73683400-C-T. GRCh37 (hg19) VCF-style: chr7-73097730-C-T.
Other names: short protein forms W8*.
Identifiers: ClinVar variation 2628724 (VCV002628724.1), dbSNP rs782182218, ClinGen allele CA4290027.

ClinVar aggregate classification (germline): Likely pathogenic (1 of 4 stars; one submission).

Conditions:
DNAJC30-related disorder. Also called: DNAJC30-related condition.

Allele frequency attached by ClinVar (database versions not stated): ExAC 0.00001; gnomAD 0.00001.
gnomAD v4.1: 10 of 1,612,112 alleles (0.00062%); highest among the groups gnomAD compares: Admixed American, 0.015%; no homozygotes.

Submission:

PreventionGenetics, part of Exact Sciences
Classification: Likely pathogenic for DNAJC30-related condition. Last evaluated: 2023-09-25. Review status: criteria provided, single submitter. Criteria: ACMG Guidelines, 2015. Collection method: clinical testing. Allele origin: germline.
Comment: The DNAJC30 c.24G>A variant is predicted to result in premature protein termination (p.Trp8*). This variant has previously been reported in the homozygous state in an individual with Leber's hereditary optic neuropathy (LHON) and Leigh-like syndrome (Shen et al. 2023. PubMed ID: 37397562). This variant is reported in 0.026% of alleles in individuals of Latino descent in gnomAD. Taken together, we classify this variant as likely pathogenic.